The following is an entry in ClinVar:

NM_000458.4(HNF1B):c.758A>T (p.Gln253Leu)

Genes: HNF1B (HNF1 homeobox B; minus strand), LOC126862549 (BRD4-independent group 4 enhancer GRCh37_chr17:36093401-36094600; plus strand). Cytogenetic location: 17q12.
Variant type: single nucleotide variant.
Coding change: c.758A>T on transcript NM_000458.4 (MANE Select); coding-DNA position 758, A replaced by T.
Protein change: p.Gln253Leu; replaces glutamine 253 with leucine.
Molecular consequence: missense variant.
Genome position (GRCh38, 1-based): chr17:37,733,608, T>A on the plus strand (A>T on the coding strand, the complement: HNF1B is on the minus strand). VCF-style: chr17-37733608-T-A. GRCh37 (hg19) VCF-style: chr17-36093601-T-A.
Other names: c.680A>T, p.Gln227Leu (NM_001165923.4, NM_001304286.2); c.758A>T, p.Gln253Leu (NM_001411100.1); short protein forms Q227L, Q253L.
Identifiers: ClinVar variation 1805939 (VCV001805939.1), dbSNP rs2511808673, ClinGen allele CA398748193.
Genomic context (GRCh38, chr17:37,733,608, plus strand): 5'-TGGTGTTACCTGTTGCATTCCTCCACTAAGGCCTCTCTCTCTTCCTTGCTGGGGTTCTTT[T>A]GCCGATCGTAGGCCTGGTACAAGATTTGCTGGGACGCGGGCCCCCATTTGAACCGGTTGC-3'
Protein context (NP_000449.1, residues 243-263): QQILYQAYDR[Gln253Leu]KNPSKEEREA

ClinVar aggregate classification (germline): Uncertain significance (1 of 4 stars; one submission).

Conditions:
Renal cysts and diabetes syndrome (RCAD). Also called: Familial hypoplastic, glomerulocystic kidney; MATURITY-ONSET DIABETES OF THE YOUNG, TYPE 5. Identifiers: Orphanet 93111, MedGen C0431693, MONDO:0007669, OMIM 137920.

Allele frequency attached by ClinVar (database versions not stated): gnomAD exomes below 0.00001.
gnomAD v4.1: 1 of 1,614,202 alleles (0.000062%); highest among the groups gnomAD compares: Non-Finnish European, 0.000085%; no homozygotes.

Submission:

Victorian Clinical Genetics Services, Murdoch Childrens Research Institute
Classification: Uncertain significance for Renal cysts and diabetes syndrome. Last evaluated: 2022-09-02. Review status: criteria provided, single submitter. Criteria: ACMG Guidelines, 2015. Collection method: clinical testing. Allele origin: germline. Inheritance: Autosomal dominant inheritance. Affected: yes.
Comment: Based on the classification scheme VCGS_Germline_v1.3.4, this variant is classified as VUS-3A. Following criteria are met: 0103 - Dominant negative, loss of function, and gain of function are all reported mechanisms of disease in this gene and are associated with type 2 diabetes mellitus (MIM#125853) and renal cysts and diabetes syndrome (MIM#137920; OMIM, PMID: 25536396, 11845238, 15509593). (I) 0107 - This gene is associated with autosomal dominant disease. (I) 0115 - Variants in this gene are known to have variable expressivity. There is significant interfamilial and intrafamilial variability of HNF1B-related nephropathy (PMID: 33305128). (I) 0200 - Variant is predicted to result in a missense amino acid change from glutamine to leucine. (I) 0251 - This variant is heterozygous. (I) 0301 - Variant is absent from gnomAD (both v2 and v3). (SP) 0501 - Missense variant consistently predicted to be damaging by multiple in silico tools or highly conserved with a major amino acid change. (SP) 0600 - Variant is located in the annotated DNA binding region (DECIPHER). (I) 0704 - Another missense variant comparable to the one identified in this case has limited previous evidence for pathogenicity. The p.(Gln253Pro) variant has been identified in an individual with a horseshoe kidney and family history of cystic disease (PMID: 20378641, 17267738). (SP) 0807 - This variant has no previous evidence of pathogenicity. (I) 0905 - No published segregation evidence has been identified for this variant. (I) 1007 - No published functional evidence has been identified for this variant. (I) 1208 - Inheritance information for this variant is not currently available in this individual. (I) Legend: (SP) - Supporting pathogenic, (I) - Information, (SB) - Supporting benign

Literature cited by the submitters: PubMed 11845238; PubMed 15509593; PubMed 17267738; PubMed 20378641; PubMed 25536396; PubMed 33305128.